The following is an entry in ClinVar:

ClinVar aggregate classification (germline): Uncertain significance (1 of 4 stars; one submission).

Conditions:
Myofibrillar myopathy 4. Also called: Zaspopathy (type). Identifiers: Orphanet 98912, MedGen C4721886, MONDO:0012277, OMIM 609452.

Submission:

Labcorp Genetics (formerly Invitae), Labcorp
Classification: Uncertain significance for Myofibrillar myopathy 4. Last evaluated: 2023-11-19. Review status: criteria provided, single submitter. Criteria: Invitae Variant Classification Sherloc (09022015). Collection method: clinical testing. Allele origin: germline.
Comment: The LDB3 gene has multiple clinically relevant transcripts. This variant occurs in alternate transcript NM_007078.3, and corresponds to NM_001080116.1:c.*33555A>G in the primary transcript. This sequence change replaces lysine, which is basic and polar, with glutamic acid, which is acidic and polar, at codon 713 of the LDB3 protein (p.Lys713Glu). This variant is not present in population databases (gnomAD no frequency). This variant has not been reported in the literature in individuals affected with LDB3-related conditions. Experimental studies and prediction algorithms are not available or were not evaluated, and the functional significance of this variant is currently unknown. In summary, the available evidence is currently insufficient to determine the role of this variant in disease. Therefore, it has been classified as a Variant of Uncertain Significance.

NM_007078.3(LDB3):c.2137A>G (p.Lys713Glu)

Gene: LDB3 (LIM domain binding 3; plus strand). Cytogenetic location: 10q23.2.
Variant type: single nucleotide variant.
Coding change: c.2137A>G on transcript NM_007078.3 (MANE Select); coding-DNA position 2137, A replaced by G.
Protein change: p.Lys713Glu; replaces lysine 713 with glutamic acid.
Molecular consequence: missense variant.
Genome position (GRCh38, 1-based): chr10:86,732,929, A>G. VCF-style: chr10-86732929-A-G. GRCh37 (hg19) VCF-style: chr10-88492686-A-G.
Other names: c.1807A>G, p.Lys603Glu (NM_001080114.2); c.2152A>G, p.Lys718Glu (NM_001171610.2); c.1948A>G, p.Lys650Glu (NM_001368064.1, NM_001368065.1); c.1996A>G, p.Lys666Glu (NM_001368066.1); short protein forms K666E, K718E, K603E, K650E, K713E.
Identifiers: ClinVar variation 3013344 (VCV003013344.3), dbSNP rs2492882077, ClinGen allele CA377460334.